The following is an entry in ClinVar:

ClinVar aggregate classification (germline): Conflicting classifications of pathogenicity. Review status: criteria provided, conflicting classifications (1 of 4 stars). 4 submissions from 4 submitters: Uncertain significance (2); Benign (1). 1 of the submissions does not count toward it. Last evaluated 2024-11-21.

Conditions:
Pancreatic cancer, susceptibility to, 1. Identifiers: Orphanet 1333, MedGen C1847351, MONDO:0011739, OMIM 606856.

Allele frequency attached by ClinVar (database versions not stated): gnomAD 0.00003 and 0.00005; TOPMed 0.00004; ESP Exome Variant Server 0.00008; ExAC 0.00016; gnomAD exomes 0.00016.
gnomAD v4.1: 177 of 1,614,074 alleles (0.011%); highest among the groups gnomAD compares: South Asian, 0.089%; 1 homozygote.

Submissions (4):

Ambry Genetics
Classification: Uncertain significance. Last evaluated: 2024-11-21. Review status: criteria provided, single submitter. Criteria: Ambry Variant Classification Scheme 2023. Collection method: clinical testing. Allele origin: germline.
Comment: The p.A186T variant (also known as c.556G>A), located in coding exon 1 of the PALLD gene, results from a G to A substitution at nucleotide position 556. The alanine at codon 186 is replaced by threonine, an amino acid with similar properties. This amino acid position is conserved. In addition, this alteration is predicted to be tolerated by in silico analysis. Since supporting evidence is limited at this time, the clinical significance of this alteration remains unclear.

Fulgent Genetics
Classification: Uncertain significance for Pancreatic cancer, susceptibility to, 1. Last evaluated: 2024-06-05. Review status: criteria provided, single submitter. Criteria: ACMG Guidelines, 2015. Collection method: clinical testing. Allele origin: germline.

Illumina Laboratory Services, Illumina
Classification: Benign for Pancreatic cancer, susceptibility to, 1. Last evaluated: 2018-01-13. Review status: criteria provided, single submitter. Criteria: ICSL Variant Classification Criteria 13 December 2019. Collection method: clinical testing. Allele origin: germline.
Comment: This variant was observed in the ICSL laboratory as part of a predisposition screen in an ostensibly healthy population. It had not been previously curated by ICSL or reported in the Human Gene Mutation Database (HGMD: prior to June 1st, 2018), and was therefore a candidate for classification through an automated scoring system. Utilizing variant allele frequency, disease prevalence and penetrance estimates, and inheritance mode, an automated score was calculated to assess if this variant is too frequent to cause the disease. Based on the score and internal cut-off values, a variant classified as benign is not then subjected to further curation. The score for this variant resulted in a classification of benign for this disease.

Department of Pathology and Laboratory Medicine, Sinai Health System
Classification: Uncertain significance. Review status: no assertion criteria provided. Collection method: clinical testing. Allele origin: unknown. Affected: yes. Study: The Canadian Open Genetics Repository (COGR). Not counted in ClinVar's aggregate classification.
Comment: The PALLD p.Ala186Thr variant was not identified in the literature nor was it identified in ClinVar or Cosmic. The variant was identified in dbSNP (ID: rs139434937), LOVD 3.0 and in control databases in 41 of 282196 chromosomes at a frequency of 0.000145 (Genome Aggregation Database Feb 27, 2017). The variant was observed in the following populations: South Asian in 19 of 30610 chromosomes (freq: 0.000621), European (non-Finnish) in 16 of 128620 chromosomes (freq: 0.000124), Latino in 4 of 35420 chromosomes (freq: 0.000113), African in 1 of 24934 chromosomes (freq: 0.00004) and European (Finnish) in 1 of 25124 chromosomes (freq: 0.00004), while the variant was not observed in the Ashkenazi Jewish, East Asian or Other populations. The variant occurs outside of the splicing consensus sequence and in silico or computational prediction software programs (SpliceSiteFinder, MaxEntScan, NNSPLICE, GeneSplicer) do not predict a difference in splicing. The p.Ala186 residue is conserved in mammals and computational analyses (PolyPhen-2, SIFT, AlignGVGD, BLOSUM, MutationTaster) provide inconsistent predictions regarding the impact to the protein; this information is not very predictive of pathogenicity. In summary, based on the above information the clinical significance of this variant cannot be determined with certainty at this time. This variant is classified as a variant of uncertain significance.

NM_001166108.2(PALLD):c.556G>A (p.Ala186Thr)

Gene: PALLD (palladin, cytoskeletal associated protein; plus strand). Cytogenetic location: 4q32.3.
Variant type: single nucleotide variant.
Coding change: c.556G>A on transcript NM_001166108.2 (MANE Select); coding-DNA position 556, G replaced by A.
Protein change: p.Ala186Thr; replaces alanine 186 with threonine.
Molecular consequence: missense variant.
Genome position (GRCh38, 1-based): chr4:168,512,060, G>A. VCF-style: chr4-168512060-G-A. GRCh37 (hg19) VCF-style: chr4-169433211-G-A.
Other names: c.556G>A (NM_016081.3); c.556G>A, p.Ala186Thr (NM_016081.4); short protein forms A186T.
Identifiers: ClinVar variation 901517 (VCV000901517.9), dbSNP rs139434937, ClinGen allele CA3135392.
Genomic context (GRCh38, chr4:168,512,060, plus strand): 5'-AGCCAGCTGTGTGACAAGGCAGCTAATTTAATTGAGGAGCTAACATCCATATTTAAAGCC[G>A]CAAAGCCAAGAAACAGAAGCCCAAATGGGGAGTCCTCGTCACCAGACAGTGGGTACCTGT-3'
Protein context (NP_001159580.1, residues 176-196): IEELTSIFKA[Ala186Thr]KPRNRSPNGE